The following is an entry in ClinVar:

ClinVar aggregate classification (germline): Uncertain significance (1 of 4 stars; one submission).

Conditions:
Familial thoracic aortic aneurysm and aortic dissection (TAAD). Also called: Thoracic aortic aneurysms and dissections. Identifiers: Orphanet 91387, MedGen C4707243, MONDO:0019625.

Allele frequency attached by ClinVar (database versions not stated): gnomAD exomes below 0.00001 and 0.00001; ExAC 0.00001.
gnomAD v4.1: 8 of 1,613,846 alleles (0.0005%); highest among the groups gnomAD compares: South Asian, 0.0044%; no homozygotes.

Submission:

Color Diagnostics, LLC DBA Color Health
Classification: Uncertain significance for Familial thoracic aortic aneurysm and aortic dissection. Last evaluated: 2024-03-06. Review status: criteria provided, single submitter. Criteria: ACMG Guidelines, 2015. Collection method: clinical testing. Allele origin: germline.
Comment: This missense variant replaces lysine with arginine at codon 272 of the FBN1 protein. Computational prediction tool is inconclusive regarding the impact of this variant on protein structure and function (internally defined REVEL score threshold 0.5 < inconclusive < 0.7, PMID: 27666373). Splice site prediction tools suggest that this variant may not impact RNA splicing. To our knowledge, functional studies have not been performed for this variant. This variant has not been reported in individuals affected with cardiovascular disorders in the literature. This variant has been identified in 1/251482 chromosomes in the general population by the Genome Aggregation Database (gnomAD). The available evidence is insufficient to determine the role of this variant in disease conclusively. Therefore, this variant is classified as a Variant of Uncertain Significance.

NM_000138.5(FBN1):c.815A>G (p.Lys272Arg)

Gene: FBN1 (fibrillin 1; minus strand). Cytogenetic location: 15q21.1.
Variant type: single nucleotide variant.
Coding change: c.815A>G on transcript NM_000138.5 (MANE Select); coding-DNA position 815, A replaced by G.
Protein change: p.Lys272Arg; replaces lysine 272 with arginine.
Molecular consequence: missense variant.
Genome position (GRCh38, 1-based): chr15:48,534,127, T>C on the plus strand (A>G on the coding strand, the complement: FBN1 is on the minus strand). VCF-style: chr15-48534127-T-C. GRCh37 (hg19) VCF-style: chr15-48826324-T-C.
Other names: short protein forms K272R.
Identifiers: ClinVar variation 921687 (VCV000921687.4), dbSNP rs777025292, ClinGen allele CA059693.